The following is an entry in ClinVar:

ClinVar aggregate classification (germline): Uncertain significance (1 of 4 stars; one submission).

Conditions:
Gastrointestinal stromal tumor. Also called: Gastrointestinal stroma tumor; Gastrointestinal stromal tumor, somatic. Identifiers: Orphanet 44890, MedGen C0238198, MeSH D046152, MONDO:0011719, OMIM 606764, HP:0100723.

Submission:

Labcorp Genetics (formerly Invitae), Labcorp
Classification: Uncertain significance for Gastrointestinal stromal tumor. Last evaluated: 2022-01-28. Review status: criteria provided, single submitter. Criteria: Invitae Variant Classification Sherloc (09022015). Collection method: clinical testing. Allele origin: germline.
Comment: In summary, the available evidence is currently insufficient to determine the role of this variant in disease. Therefore, it has been classified as a Variant of Uncertain Significance. Algorithms developed to predict the effect of missense changes on protein structure and function are either unavailable or do not agree on the potential impact of this missense change (SIFT: "Deleterious"; PolyPhen-2: "Possibly Damaging"; Align-GVGD: "Class C0"). This variant has not been reported in the literature in individuals affected with PDGFRA-related conditions. This variant is not present in population databases (gnomAD no frequency). This sequence change replaces valine, which is neutral and non-polar, with methionine, which is neutral and non-polar, at codon 1084 of the PDGFRA protein (p.Val1084Met).

NM_006206.6(PDGFRA):c.3250G>A (p.Val1084Met)

Gene: PDGFRA (platelet derived growth factor receptor alpha; plus strand). Cytogenetic location: 4q12.
Variant type: single nucleotide variant.
Coding change: c.3250G>A on transcript NM_006206.6 (MANE Select); coding-DNA position 3250, G replaced by A.
Protein change: p.Val1084Met; replaces valine 1084 with methionine.
Molecular consequence: missense variant.
Genome position (GRCh38, 1-based): chr4:54,295,252, G>A. VCF-style: chr4-54295252-G-A. GRCh37 (hg19) VCF-style: chr4-55161419-G-A.
Other names: c.3325G>A, p.Val1109Met (NM_001347828.2); c.3250G>A, p.Val1084Met (NM_001347829.2); c.3289G>A, p.Val1097Met (NM_001347830.2); short protein forms V1084M, V1097M, V1109M.
Identifiers: ClinVar variation 1398072 (VCV001398072.6), dbSNP rs2110359061, ClinGen allele CA356896721.